The following is an entry in ClinVar:

ClinVar aggregate classification (germline): Benign/Likely benign. Review status: criteria provided, multiple submitters, no conflicts (2 of 4 stars). 4 submissions from 4 submitters: Benign (2); Likely benign (2). Last evaluated 2026-01-26.

Conditions:
Emery-Dreifuss muscular dystrophy 5, autosomal dominant (EDMD5). Also called: EMERY-DREIFUSS MUSCULAR DYSTROPHY 5. Identifiers: Orphanet 261, MedGen C2751805, MONDO:0013072, OMIM 612999.

Allele frequency attached by ClinVar (database versions not stated): ESP Exome Variant Server 0.00277; 1000 Genomes Project 0.00300; gnomAD 0.00313 and 0.00337; TOPMed 0.00335; 1000 Genomes Project 30x 0.00406.
gnomAD v4.1: 866 of 1,612,420 alleles (0.054%); highest among the groups gnomAD compares: African/African-American, 1.1%; 3 homozygotes.

Submissions (4):

Labcorp Genetics (formerly Invitae), Labcorp
Classification: Benign for Emery-Dreifuss muscular dystrophy 5, autosomal dominant. Last evaluated: 2026-01-26. Review status: criteria provided, single submitter. Criteria: Invitae Variant Classification Sherloc (09022015). Collection method: clinical testing. Allele origin: germline.

CeGaT Center for Human Genetics Tuebingen
Classification: Likely benign. Last evaluated: 2025-11-01. Review status: criteria provided, single submitter. Criteria: CeGaT Center For Human Genetics Tuebingen Variant Classification Criteria Version 2. Collection method: clinical testing. Allele origin: germline. Affected: yes. Observed: 1 variant allele.
Comment: SYNE2: BP4, BS1

Illumina Laboratory Services, Illumina
Classification: Benign for Emery-Dreifuss muscular dystrophy 5, autosomal dominant. Last evaluated: 2018-01-13. Review status: criteria provided, single submitter. Criteria: ICSL Variant Classification Criteria 13 December 2019. Collection method: clinical testing. Allele origin: germline.
Comment: This variant was observed in the ICSL laboratory as part of a predisposition screen in an ostensibly healthy population. It had not been previously curated by ICSL or reported in the Human Gene Mutation Database (HGMD: prior to June 1st, 2018), and was therefore a candidate for classification through an automated scoring system. Utilizing variant allele frequency, disease prevalence and penetrance estimates, and inheritance mode, an automated score was calculated to assess if this variant is too frequent to cause the disease. Based on the score and internal cut-off values, a variant classified as benign is not then subjected to further curation. The score for this variant resulted in a classification of benign for this disease.

Eurofins Ntd Llc (ga)
Classification: Likely benign. Last evaluated: 2015-07-15. Review status: criteria provided, single submitter. Criteria: EGL Classification Definitions 2015. Collection method: clinical testing. Allele origin: germline. Observed: 1 variant allele, 1 heterozygote.

NM_182914.3(SYNE2):c.6714+3G>A

Gene: SYNE2 (spectrin repeat containing nuclear envelope protein 2; plus strand). Cytogenetic location: 14q23.2.
Variant type: single nucleotide variant.
Coding change: c.6714+3G>A on transcript NM_182914.3 (MANE Select); 3 bases into the intron after coding-DNA position 6714, G replaced by A.
Molecular consequence: intron variant.
Genome position (GRCh38, 1-based): chr14:64,027,796, G>A. VCF-style: chr14-64027796-G-A. GRCh37 (hg19) VCF-style: chr14-64494514-G-A.
Other names: c.6714+3G>A (NM_015180.6).
Identifiers: ClinVar variation 282010 (VCV000282010.27), dbSNP rs142902034, ClinGen allele CA7220748.